The following is an entry in ClinVar:

ClinVar aggregate classification (germline): Uncertain significance (1 of 4 stars; one submission).

Conditions:
Hereditary cancer-predisposing syndrome. Also called: Neoplastic Syndromes, Hereditary; Tumor predisposition; Hereditary Cancer Syndrome; Hereditary neoplastic syndrome. Identifiers: Orphanet 140162, MedGen C0027672, MeSH D009386, MONDO:0015356.

Allele frequency attached by ClinVar (database versions not stated): gnomAD exomes below 0.00001.
gnomAD v4.1: 2 of 1,613,352 alleles (0.00012%); highest among the groups gnomAD compares: Non-Finnish European, 0.00017%; no homozygotes.

Submission:

Ambry Genetics
Classification: Uncertain significance for Hereditary cancer-predisposing syndrome. Last evaluated: 2026-02-17. Review status: criteria provided, single submitter. Criteria: Ambry Variant Classification Scheme 2023. Collection method: clinical testing. Allele origin: germline.
Comment: The p.C89R variant (also known as c.265T>C), located in coding exon 3 of the SDHA gene, results from a T to C substitution at nucleotide position 265. The cysteine at codon 89 is replaced by arginine, an amino acid with highly dissimilar properties. This amino acid position is highly conserved in available vertebrate species. In addition, this alteration is predicted to be deleterious by in silico analysis. Since supporting evidence is limited at this time, the clinical significance of this alteration remains unclear.

NM_004168.4(SDHA):c.265T>C (p.Cys89Arg)

Gene: SDHA (succinate dehydrogenase complex flavoprotein subunit A; plus strand). Cytogenetic location: 5p15.33.
Variant type: single nucleotide variant.
Coding change: c.265T>C on transcript NM_004168.4 (MANE Select); coding-DNA position 265, T replaced by C.
Protein change: p.Cys89Arg; replaces cysteine 89 with arginine.
Molecular consequence: missense variant.
Genome position (GRCh38, 1-based): chr5:224,474, T>C. VCF-style: chr5-224474-T-C. GRCh37 (hg19) VCF-style: chr5-224589-T-C.
Other names: c.265T>C, p.Cys89Arg (NM_001294332.2, NM_001330758.2); short protein forms C89R.
Identifiers: ClinVar variation 2587081 (VCV002587081.3), dbSNP rs2477286846, ClinGen allele CA359008603.